The following is an entry in ClinVar:

ClinVar aggregate classification (germline): Uncertain significance (1 of 4 stars; one submission).

Conditions:
TP63-Related Spectrum Disorders.

Allele frequency attached by ClinVar (database versions not stated): gnomAD exomes below 0.00001; TOPMed below 0.00001.
gnomAD v4.1: 2 of 1,614,088 alleles (0.00012%); no homozygotes.

Submission:

Labcorp Genetics (formerly Invitae), Labcorp
Classification: Uncertain significance. Last evaluated: 2023-04-20. Review status: criteria provided, single submitter. Criteria: Invitae Variant Classification Sherloc (09022015). Collection method: clinical testing. Allele origin: germline.
Comment: This sequence change replaces serine, which is neutral and polar, with asparagine, which is neutral and polar, at codon 479 of the TP63 protein (p.Ser479Asn). This variant is not present in population databases (gnomAD no frequency). This variant has not been reported in the literature in individuals affected with TP63-related conditions. ClinVar contains an entry for this variant (Variation ID: 2417199). Advanced modeling of protein sequence and biophysical properties (such as structural, functional, and spatial information, amino acid conservation, physicochemical variation, residue mobility, and thermodynamic stability) has been performed at Invitae for this missense variant, however the output from this modeling did not meet the statistical confidence thresholds required to predict the impact of this variant on TP63 protein function. In summary, the available evidence is currently insufficient to determine the role of this variant in disease. Therefore, it has been classified as a Variant of Uncertain Significance.

NM_003722.5(TP63):c.1436G>A (p.Ser479Asn)

Gene: TP63 (tumor protein p63; plus strand). Cytogenetic location: 3q28.
Variant type: single nucleotide variant.
Coding change: c.1436G>A on transcript NM_003722.5 (MANE Select); coding-DNA position 1436, G replaced by A.
Protein change: p.Ser479Asn; replaces serine 479 with asparagine.
Molecular consequence: missense variant.
Genome position (GRCh38, 1-based): chr3:189,886,480, G>A. VCF-style: chr3-189886480-G-A. GRCh37 (hg19) VCF-style: chr3-189604269-G-A.
Other names: c.1436G>A, p.Ser479Asn (NM_001114978.2, NM_001329144.2); c.1154G>A, p.Ser385Asn (NM_001114980.2, NM_001114981.2, NM_001329145.2); c.899G>A, p.Ser300Asn (NM_001329146.2); c.1424G>A, p.Ser475Asn (NM_001329148.2); c.1142G>A, p.Ser381Asn (NM_001329149.2); c.887G>A, p.Ser296Asn (NM_001329150.2); c.1430G>A, p.Ser477Asn (NM_001329964.2); short protein forms S296N, S300N, S381N, S385N, S475N, S477N, S479N.
Identifiers: ClinVar variation 2417199 (VCV002417199.5), dbSNP rs1720458105, ClinGen allele CA355757429.